The following is an entry in ClinVar:

NM_001330195.2(NRXN3):c.1618G>A (p.Gly540Arg)

Genes: NRXN3 (neurexin 3; plus strand), NRXN3-AS2 (NRXN3 antisense RNA 2; minus strand). Cytogenetic location: 14q24.3.
Variant type: single nucleotide variant.
Coding change: c.1618G>A on transcript NM_001330195.2 (MANE Select); coding-DNA position 1618, G replaced by A.
Protein change: p.Gly540Arg; replaces glycine 540 with arginine.
Molecular consequence: missense variant. On other transcripts: non-coding transcript variant (5).
Genome position (GRCh38, 1-based): chr14:78,709,613, G>A. VCF-style: chr14-78709613-G-A. GRCh37 (hg19) VCF-style: chr14-79175956-G-A.
Other names: c.1618G>A, p.Gly540Arg (NM_001366425.1); c.1630G>A, p.Gly544Arg (NM_001366426.1); c.499G>A, p.Gly167Arg (NM_004796.6); short protein forms G167R, G540R, G544R.
Identifiers: ClinVar variation 4883035 (VCV004883035.2).

ClinVar aggregate classification (germline): Uncertain significance (1 of 4 stars; one submission).

Submission:

Dasa
Classification: Uncertain significance. Last evaluated: 2025-07-01. Review status: criteria provided, single submitter. Criteria: DASA Assertion Criteria. Collection method: clinical testing. Allele origin: germline.
Comment: NM_001330195.2(NRXN3):c.1618G>A (p.Gly540Arg) is a missense variant that results in the substitution of glycine with arginine. This variant is absent from population databases. Computational prediction algorithms are consistent with a deleterious effect. The currently available literature and clinical evidence are not sufficient to establish a definitive association between this variant and the reported condition. Therefore, this variant is classified as a variant of uncertain significance.